The following is an entry in ClinVar:

NM_025136.4(OPA3):c.121A>G (p.Ile41Val)

Genes: OPA3 (outer mitochondrial membrane lipid metabolism regulator OPA3; minus strand), OPA3-RTN2 (OPA3-RTN2 readthrough; minus strand). Cytogenetic location: 19q13.32.
Variant type: single nucleotide variant.
Coding change: c.121A>G on transcript NM_025136.4 (MANE Select); coding-DNA position 121, A replaced by G.
Protein change: p.Ile41Val; replaces isoleucine 41 with valine.
Molecular consequence: missense variant.
Genome position (GRCh38, 1-based): chr19:45,584,644, T>C on the plus strand (A>G on the coding strand, the complement: OPA3 is on the minus strand). VCF-style: chr19-45584644-T-C. GRCh37 (hg19) VCF-style: chr19-46087902-T-C.
Other names: c.121A>G, p.Ile41Val (NM_001017989.3); c.121A>G (NM_025136.3); short protein forms I41V.
Identifiers: ClinVar variation 2160881 (VCV002160881.5), dbSNP rs766584469, ClinGen allele CA9517485.
Genomic context (GRCh38, chr19:45,584,644, plus strand): 5'-GAAAGGAAAAAGGTTGGAGGGAATTCGGGTCAGACTCACGTTGAGCCGGCGGGAGGCAGA[T>C]ATAGGTCTTGAAGAACTCGCTTCGGCGGGCGGCCTCCTTAATACGGTTGGCAAGCGGCTT-3'
Protein context (NP_079412.1, residues 31-51): ARRSEFFKTY[Ile41Val]CLPPAQLYHW

ClinVar aggregate classification (germline): Uncertain significance. Review status: criteria provided, multiple submitters, no conflicts (2 of 4 stars). 3 submissions from 3 submitters: Uncertain significance (3). Last evaluated 2024-11-04.

Conditions:
Optic atrophy 3 (OPA3). Also called: OPTIC ATROPHY 3, AUTOSOMAL DOMINANT; Optic atrophy, cataract, and neurologic disorder; Optic atrophy 3 with cataract. Identifiers: Orphanet 67036, MedGen C1833809, MONDO:0008133, OMIM 165300.
3-Methylglutaconic aciduria type 3 (MGCA3). Also called: OPA3, AUTOSOMAL RECESSIVE; OPTIC ATROPHY 3, AUTOSOMAL RECESSIVE; OPA3-Related 3-Methylglutaconic Aciduria; Costeff Syndrome. Identifiers: Orphanet 67047, MedGen C0574084, MONDO:0009787, OMIM 258501.

Allele frequency attached by ClinVar (database versions not stated): TOPMed below 0.00001; gnomAD 0.00001; ExAC 0.00002.
gnomAD v4.1: 9 of 1,614,010 alleles (0.00056%); highest among the groups gnomAD compares: Admixed American, 0.0017%; no homozygotes.

Submissions (3):

Blueprint Genetics
Classification: Uncertain significance. Last evaluated: 2024-11-04. Review status: criteria provided, single submitter. Criteria: ACMG Guidelines, 2015. Collection method: clinical testing. Allele origin: germline.

Labcorp Genetics (formerly Invitae), Labcorp
Classification: Uncertain significance for 3-Methylglutaconic aciduria type 3; Optic atrophy 3. Last evaluated: 2024-10-03. Review status: criteria provided, single submitter. Criteria: Invitae Variant Classification Sherloc (09022015). Collection method: clinical testing. Allele origin: germline.
Comment: This sequence change replaces isoleucine, which is neutral and non-polar, with valine, which is neutral and non-polar, at codon 41 of the OPA3 protein (p.Ile41Val). This variant is present in population databases (rs766584469, gnomAD 0.007%). This variant has not been reported in the literature in individuals affected with OPA3-related conditions. ClinVar contains an entry for this variant (Variation ID: 2160881). An algorithm developed to predict the effect of missense changes on protein structure and function outputs the following: PolyPhen-2: "Benign". The valine amino acid residue is found in multiple mammalian species, which suggests that this missense change does not adversely affect protein function. In summary, the available evidence is currently insufficient to determine the role of this variant in disease. Therefore, it has been classified as a Variant of Uncertain Significance.

GeneDx
Classification: Uncertain significance. Last evaluated: 2024-05-09. Review status: criteria provided, single submitter. Criteria: GeneDx Variant Classification Process June 2021. Collection method: clinical testing. Allele origin: germline. Affected: yes.
Comment: In silico analysis indicates that this missense variant does not alter protein structure/function; Has not been previously published as pathogenic or benign to our knowledge